The following is an entry in ClinVar:

NM_001395413.1(POR):c.633-5C>G

Gene: POR (cytochrome p450 oxidoreductase; plus strand). Cytogenetic location: 7q11.23.
Variant type: single nucleotide variant.
Coding change: c.633-5C>G on transcript NM_001395413.1 (MANE Select); 5 bases into the intron before coding-DNA position 633, C replaced by G.
Molecular consequence: intron variant.
Genome position (GRCh38, 1-based): chr7:75,981,512, C>G. VCF-style: chr7-75981512-C-G. GRCh37 (hg19) VCF-style: chr7-75610830-C-G.
Other names: c.633-5C>G (NM_001382662.3, NM_001382659.3, NM_001367562.3 and 2 more transcripts); c.687-5C>G (NM_001382655.3).
Identifiers: ClinVar variation 360702 (VCV000360702.47), dbSNP rs72555509, ClinGen allele CA4303768.

ClinVar aggregate classification (germline): Conflicting classifications of pathogenicity. Review status: criteria provided, conflicting classifications (1 of 4 stars). 6 submissions from 6 submitters: Uncertain significance (1); Benign (2); Likely benign (3). Last evaluated 2026-08-01.

Conditions:
Congenital adrenal hyperplasia due to cytochrome P450 oxidoreductase deficiency. Also called: DISORDERED STEROIDOGENESIS DUE TO POR DEFICIENCY. Identifiers: Orphanet 95699, MedGen C1860042, MONDO:0013310, OMIM 613571.

Allele frequency attached by ClinVar (database versions not stated): ESP Exome Variant Server 0.00032; gnomAD 0.00043 and 0.00047; TOPMed 0.00052; gnomAD exomes 0.00056; ExAC 0.00072.
gnomAD v4.1: 851 of 1,610,864 alleles (0.053%); highest among the groups gnomAD compares: Middle Eastern, 1.7%; 7 homozygotes.

Submissions (11):

CeGaT Center for Human Genetics Tuebingen
Classification: Likely benign. Last evaluated: 2026-08-01. Review status: criteria provided, single submitter. Criteria: CeGaT Center For Human Genetics Tuebingen Variant Classification Criteria Version 2. Collection method: clinical testing. Allele origin: germline. Affected: yes. Observed: 3 variant alleles.
Comment: POR: BP4

Labcorp Genetics (formerly Invitae), Labcorp
Classification: Benign for Congenital adrenal hyperplasia due to cytochrome P450 oxidoreductase deficiency. Last evaluated: 2026-02-02. Review status: criteria provided, single submitter. Criteria: Invitae Variant Classification Sherloc (09022015). Collection method: clinical testing. Allele origin: germline.

Blueprint Genetics
Classification: Likely benign. Last evaluated: 2024-09-30. Review status: criteria provided, single submitter. Criteria: ACMG Guidelines, 2015. Collection method: clinical testing. Allele origin: germline.

ARUP Laboratories, Molecular Genetics and Genomics, ARUP Laboratories
Classification: Likely benign. Last evaluated: 2023-09-28. Review status: criteria provided, single submitter. Criteria: ARUP Molecular Germline Variant Investigation Process 2024. Collection method: clinical testing. Allele origin: germline.

GeneDx
Classification: Benign. Last evaluated: 2019-07-24. Review status: criteria provided, single submitter. Criteria: GeneDx Variant Classification Process June 2021. Collection method: clinical testing. Allele origin: germline. Affected: yes.
Comment: This variant is associated with the following publications: (PMID: 22462747)

Illumina Laboratory Services, Illumina
Classification: Uncertain significance for Congenital adrenal hyperplasia due to cytochrome P450 oxidoreductase deficiency. Last evaluated: 2018-01-13. Review status: criteria provided, single submitter. Criteria: ICSL Variant Classification Criteria 13 December 2019. Collection method: clinical testing. Allele origin: germline.

Dr. Peter K. Rogan Lab, Western University
No classification provided (evidence only). Condition: Clear cell carcinoma of kidney. Review status: no classification provided. Collection method: in vitro. Allele origin: not applicable. Functional consequence: retained intron. Not counted in ClinVar's aggregate classification.

Dr. Peter K. Rogan Lab, Western University
No classification provided (evidence only). Condition: Clear cell carcinoma of kidney. Review status: no classification provided. Collection method: in vitro. Allele origin: not applicable. Functional consequence: retained intron. Not counted in ClinVar's aggregate classification.

Dr. Peter K. Rogan Lab, Western University
No classification provided (evidence only). Condition: Sarcoma. Review status: no classification provided. Collection method: in vitro. Allele origin: not applicable. Functional consequence: retained intron. Not counted in ClinVar's aggregate classification.

Dr. Peter K. Rogan Lab, Western University
No classification provided (evidence only). Condition: Nonpapillary renal cell carcinoma. Review status: no classification provided. Collection method: in vitro. Allele origin: not applicable. Functional consequence: retained intron. Not counted in ClinVar's aggregate classification.

Dr. Peter K. Rogan Lab, Western University
No classification provided (evidence only). Condition: Adrenocortical carcinoma, hereditary. Review status: no classification provided. Collection method: in vitro. Allele origin: not applicable. Functional consequence: retained intron. Not counted in ClinVar's aggregate classification.